The following is an entry in ClinVar:

ClinVar aggregate classification (germline): Conflicting classifications of pathogenicity. Review status: criteria provided, conflicting classifications (1 of 4 stars). 3 submissions from 3 submitters: Uncertain significance (2); Likely benign (1). Last evaluated 2025-10-14.

Conditions:
POLD1-related polyposis and colorectal cancer syndrome (CRCS10). Also called: Colorectal cancer 10; COLORECTAL CANCER, SUSCEPTIBILITY TO, ON CHROMOSOME 19q; Colorectal cancer, susceptibility to, 10. Identifiers: Orphanet 220460, MedGen C2675481, MONDO:0012953, OMIM 612591.
Hereditary cancer-predisposing syndrome. Also called: Neoplastic Syndromes, Hereditary; Hereditary neoplastic syndrome; Tumor predisposition; Hereditary Cancer Syndrome. Identifiers: Orphanet 140162, MedGen C0027672, MeSH D009386, MONDO:0015356.

Allele frequency attached by ClinVar (database versions not stated): gnomAD 0.00001; TOPMed 0.00001; gnomAD exomes 0.00003.
gnomAD v4.1: 40 of 1,612,586 alleles (0.0025%); highest among the groups gnomAD compares: East Asian, 0.087%; no homozygotes.

Submissions (3):

Labcorp Genetics (formerly Invitae), Labcorp
Classification: Uncertain significance for POLD1-related polyposis and colorectal cancer syndrome. Last evaluated: 2025-10-14. Review status: criteria provided, single submitter. Criteria: Invitae Variant Classification Sherloc (09022015). Collection method: clinical testing. Allele origin: germline.
Comment: This sequence change replaces aspartic acid, which is acidic and polar, with glycine, which is neutral and non-polar, at codon 893 of the POLD1 protein (p.Asp893Gly). This variant is not present in population databases (gnomAD no frequency). This variant has not been reported in the literature in individuals affected with POLD1-related conditions. ClinVar contains an entry for this variant (Variation ID: 469283). Invitae Evidence Modeling of protein sequence and biophysical properties (such as structural, functional, and spatial information, amino acid conservation, physicochemical variation, residue mobility, and thermodynamic stability) indicates that this missense variant is not expected to disrupt POLD1 protein function with a negative predictive value of 80%. In summary, the available evidence is currently insufficient to determine the role of this variant in disease. Therefore, it has been classified as a Variant of Uncertain Significance.

GeneDx
Classification: Uncertain significance. Last evaluated: 2025-02-20. Review status: criteria provided, single submitter. Criteria: GeneDx Variant Classification Process June 2021. Collection method: clinical testing. Allele origin: germline. Affected: yes.
Comment: Not observed at significant frequency in large population cohorts (gnomAD); In silico analysis supports that this missense variant has a deleterious effect on protein structure/function; Reported as a germline variant in a patient with colorectal, endometrial, or other tumor demonstrating microsatellite instability (MSI)-High who also harbored variants in other cancer risk genes (PMID: 29755653); This variant is associated with the following publications: (PMID: 32041611, 34387403, 36896836, 29755653)

Ambry Genetics
Classification: Likely benign for Hereditary cancer-predisposing syndrome. Last evaluated: 2024-11-08. Review status: criteria provided, single submitter. Criteria: Ambry Variant Classification Scheme 2023. Collection method: clinical testing. Allele origin: germline.

NM_002691.4(POLD1):c.2678A>G (p.Asp893Gly)

Gene: POLD1 (DNA polymerase delta 1, catalytic subunit; plus strand). Cytogenetic location: 19q13.33.
Variant type: single nucleotide variant.
Coding change: c.2678A>G on transcript NM_002691.4 (MANE Select); coding-DNA position 2678, A replaced by G.
Protein change: p.Asp893Gly; replaces aspartic acid 893 with glycine.
Molecular consequence: missense variant. On other transcripts: non-coding transcript variant (1).
Genome position (GRCh38, 1-based): chr19:50,415,551, A>G. VCF-style: chr19-50415551-A-G. GRCh37 (hg19) VCF-style: chr19-50918808-A-G.
Other names: c.2678A>G, p.Asp893Gly (NM_001256849.1); c.2756A>G, p.Asp919Gly (NM_001308632.1); c.2678A>G (NM_002691.2); short protein forms D893G, D919G.
Identifiers: ClinVar variation 469283 (VCV000469283.12), dbSNP rs1249502531, ClinGen allele CA406985606.